The following is an entry in ClinVar:

NM_000264.5(PTCH1):c.3525_3529del (p.Leu1175fs)

Gene: PTCH1 (patched 1; minus strand). Cytogenetic location: 9q22.32.
Variant type: Deletion.
Coding change: c.3525_3529del on transcript NM_000264.5 (MANE Select); coding-DNA positions 3525 to 3529, 5 bases deleted (GTCTT; older notation c.3525_3529delGTCTT).
Protein change: p.Leu1175fs; shifts the reading frame from leucine 1175.
Molecular consequence: frameshift variant. On other transcripts: non-coding transcript variant (1).
Genome position (GRCh38, 1-based): chr9:95,449,861-95,449,865, AAGAC deleted on the plus strand (GTCTT on the coding strand, the reverse complement: PTCH1 is on the minus strand); deleting any 5 consecutive bases within chr9:95,449,861-95,449,867 gives the same sequence; the c. name uses the placement nearest the transcript's 3' end. VCF-style (leftmost placement, unchanged base first): chr9-95449860-AAAGAC-A. GRCh37 (hg19) VCF-style: chr9-98212142-AAAGAC-A.
Other names: c.3327_3331del, p.Leu1109fs (NM_001083602.3); c.3522_3526del, p.Leu1174fs (NM_001083603.3); c.3072_3076del, p.Leu1024fs (NM_001083604.3, NM_001083605.3, NM_001083606.3 and 1 more transcripts); c.3369_3373del, p.Leu1123fs (NM_001354918.2); short protein forms L1109fs, L1123fs, L1174fs, L1024fs, L1175fs.
Identifiers: ClinVar variation 848279 (VCV000848279.8), dbSNP rs1838307047, ClinGen allele CA916081538.

ClinVar aggregate classification (germline): Pathogenic (1 of 4 stars; one submission).

Conditions:
Gorlin syndrome. Also called: Nevoid Basal Cell Carcinoma Syndrome; Basal cell nevus syndrome. Identifiers: Orphanet 377, MedGen C0004779, MONDO:0007187.

Submission:

Labcorp Genetics (formerly Invitae), Labcorp
Classification: Pathogenic for Gorlin syndrome. Last evaluated: 2019-04-14. Review status: criteria provided, single submitter. Criteria: Invitae Variant Classification Sherloc (09022015). Collection method: clinical testing. Allele origin: germline.
Comment: For these reasons, this variant has been classified as Pathogenic. This sequence change creates a premature translational stop signal (p.Leu1175Phefs*7) in the PTCH1 gene. It is expected to result in an absent or disrupted protein product. This variant is not present in population databases (ExAC no frequency). This variant has not been reported in the literature in individuals with PTCH1-related conditions. Loss-of-function variants in PTCH1 are known to be pathogenic (PMID: 16301862, 16419085).

Literature cited by the submitters: PubMed 16301862; PubMed 16419085.